The following is an entry in ClinVar:

NM_033380.3(COL4A5):c.3259_3285del (p.Leu1087_Gly1095del)

Gene: COL4A5 (collagen type IV alpha 5 chain; plus strand). Cytogenetic location: Xq22.3.
Variant type: Deletion.
Coding change: c.3259_3285del on transcript NM_033380.3 (MANE Select); coding-DNA positions 3259 to 3285, 27 bases deleted (CTGCCTGGATACCCAGGGAACCCTGGT).
Protein change: p.Leu1087_Gly1095del.
Molecular consequence: inframe deletion.
Genome position (GRCh38, 1-based): chrX:108,655,343-108,655,369, CTGCCTGGATACCCAGGGAACCCTGGT deleted; deleting any 27 consecutive bases within chrX:108,655,337-108,655,369 gives the same sequence; the c. name uses the placement nearest the transcript's 3' end. VCF-style (leftmost placement, unchanged base first): chrX-108655336-GCCTGGTCTGCCTGGATACCCAGGGAAC-G. GRCh37 (hg19) VCF-style: chrX-107898566-GCCTGGTCTGCCTGGATACCCAGGGAAC-G.
Other names: c.3259_3285del, p.Leu1087_Gly1095del (NM_000495.5).
Identifiers: ClinVar variation 2029931 (VCV002029931.4), dbSNP rs2524531020, ClinGen allele CA2580100162.

ClinVar aggregate classification (germline): Pathogenic (1 of 4 stars; one submission).

Submission:

Labcorp Genetics (formerly Invitae), Labcorp
Classification: Pathogenic. Last evaluated: 2022-09-10. Review status: criteria provided, single submitter. Criteria: Invitae Variant Classification Sherloc (09022015). Collection method: clinical testing. Allele origin: germline.
Comment: This variant disrupts the triple helix domain of COL4A5. Glycine residues within the Gly-Xaa-Yaa repeats of the triple helix domain are required for the structure and stability of fibrillar collagens (PMID: 7695699, 8218237, 19344236). In COL4A5, missense variants at these glycine residues are significantly enriched in individuals with disease (PMID: 23720012, 27627812) compared to the general population (ExAC). For these reasons, this variant has been classified as Pathogenic. This variant disrupts a region of the COL4A5 protein in which other variant(s) (p.Gly1092Glu) have been determined to be pathogenic (PMID: 33040356). This suggests that this is a clinically significant region of the protein, and that variants that disrupt it are likely to be disease-causing. This variant has been observed in individual(s) with Alport syndrome (Invitae). This variant is not present in population databases (gnomAD no frequency). This variant, c.3259_3285del, results in the deletion of 9 amino acid(s) of the COL4A5 protein (p.Leu1087_Gly1095del), but otherwise preserves the integrity of the reading frame.

Literature cited by the submitters: PubMed 7695699; PubMed 8218237; PubMed 19344236; PubMed 23720012; PubMed 27627812; PubMed 33040356.